The following is an entry in ClinVar:

NM_000257.4(MYH7):c.68G>A (p.Arg23Gln)

Gene: MYH7 (myosin heavy chain 7; minus strand). Cytogenetic location: 14q11.2.
Variant type: single nucleotide variant.
Coding change: c.68G>A on transcript NM_000257.4 (MANE Select); coding-DNA position 68, G replaced by A.
Protein change: p.Arg23Gln; replaces arginine 23 with glutamine.
Molecular consequence: missense variant.
Genome position (GRCh38, 1-based): chr14:23,433,665, C>T on the plus strand (G>A on the coding strand, the complement: MYH7 is on the minus strand). VCF-style: chr14-23433665-C-T. GRCh37 (hg19) VCF-style: chr14-23902874-C-T.
Other names: short protein forms R23Q.
Identifiers: ClinVar variation 1410897 (VCV001410897.6), dbSNP rs1169518192, ClinGen allele CA389054029.

ClinVar aggregate classification (germline): Uncertain significance. Review status: criteria provided, multiple submitters, no conflicts (2 of 4 stars). 4 submissions from 4 submitters: Uncertain significance (4). Last evaluated 2026-01-04.

Conditions:
Cardiomyopathy (CMYO). Also called: Cardiomyopathies. Identifiers: Orphanet 167848, MedGen C0878544, MONDO:0004994, HP:0001638. Inheritance: Various modes of inheritance.
Myopathy, myosin storage, autosomal recessive (CMYO7B). Also called: CONGENITAL MYOPATHY 7B, MYOSIN STORAGE, AUTOSOMAL RECESSIVE. Identifiers: Orphanet 636970, MedGen C1850709, MONDO:0009708, OMIM 255160.
Congenital myopathy with fiber type disproportion. Also called: Congenital fiber-type disproportion myopathy; Congenital fiber-type disproportion. Identifiers: Orphanet 2020, MedGen C0546264, MONDO:0009711. Inheritance: all.
Dilated cardiomyopathy 1S (CMD1S). Identifiers: Orphanet 154, Orphanet 54260, MedGen C1834481, MONDO:0013262, OMIM 613426.
MYH7-related skeletal myopathy. Also called: Laing early-onset distal myopathy; Myopathy, distal, 1; Laing distal myopathy; MYOPATHY, DISTAL, EARLY-ONSET, AUTOSOMAL DOMINANT; MYOPATHY, LATE DISTAL HEREDITARY. Identifiers: Orphanet 59135, MedGen C4552004, MONDO:0008050, OMIM 160500.
Hypertrophic cardiomyopathy 1 (CMH1). Also called: Familial hypertrophic cardiomyopathy 1; MYH7-Related Familial Hypertrophic Cardiomyopathy. Identifiers: MedGen C3495498, MONDO:0008647, OMIM 192600.
Myosin storage myopathy (CMYO7A). Also called: MYOPATHY WITH LYSIS OF TYPE I MYOFIBRILS; SCAPULOPERONEAL MUSCULAR DYSTROPHY; SCAPULOPERONEAL SYNDROME, MYOPATHIC TYPE; MYOPATHY, HYALINE BODY, AUTOSOMAL DOMINANT; MYH7-related late-onset scapuloperoneal muscular dystrophy; Congenital myopathy 7A, myosin storage, autosomal dominant. Identifiers: Orphanet 437572, Orphanet 636965, MedGen C1842160, MONDO:0008409, OMIM 608358.
Hypertrophic cardiomyopathy. Also called: HYPERTROPHIC MYOCARDIOPATHY. Identifiers: Orphanet 217569, MedGen C0007194, MeSH D002312, MONDO:0005045, HP:0001639.

Allele frequency attached by ClinVar (database versions not stated): gnomAD exomes below 0.00001; TOPMed below 0.00001; gnomAD 0.00001.
gnomAD v4.1: 3 of 1,614,162 alleles (0.00019%); highest among the groups gnomAD compares: East Asian, 0.0022%; no homozygotes.

Submissions (4):

Labcorp Genetics (formerly Invitae), Labcorp
Classification: Uncertain significance for Hypertrophic cardiomyopathy. Last evaluated: 2026-01-04. Review status: criteria provided, single submitter. Criteria: Invitae Variant Classification Sherloc (09022015). Collection method: clinical testing. Allele origin: germline.
Comment: This sequence change replaces arginine, which is basic and polar, with glutamine, which is neutral and polar, at codon 23 of the MYH7 protein (p.Arg23Gln). This variant is present in population databases (no rsID available, gnomAD 0.01%). This variant has not been reported in the literature in individuals affected with MYH7-related conditions. ClinVar contains an entry for this variant (Variation ID: 1410897). Invitae Evidence Modeling of protein sequence and biophysical properties (such as structural, functional, and spatial information, amino acid conservation, physicochemical variation, residue mobility, and thermodynamic stability) indicates that this missense variant is expected to disrupt MYH7 protein function with a positive predictive value of 95%. In summary, the available evidence is currently insufficient to determine the role of this variant in disease. Therefore, it has been classified as a Variant of Uncertain Significance.

All of Us Research Program, National Institutes of Health
Classification: Uncertain significance for Cardiomyopathy. Last evaluated: 2023-12-18. Review status: criteria provided, single submitter. Criteria: ACMG Guidelines, 2015. Collection method: clinical testing. Allele origin: germline. Inheritance: Autosomal dominant inheritance. Observed: 2 variant alleles, 2 heterozygotes.
Comment: This missense variant replaces arginine with glutamine at codon 23 of the MYH7 protein. Computational prediction tool indicates that this variant may have an uncertain impact on protein structure and function. To our knowledge, functional studies have not been reported for this variant. This variant has not been reported in individuals affected with MYH7-related disorders in the literature. This variant has been identified in 1/31396 chromosomes in the general population by the Genome Aggregation Database (gnomAD). The available evidence is insufficient to determine the role of this variant in disease conclusively. Therefore, this variant is classified as a Variant of Uncertain Significance.

This study involves interpretation of variants in research participants for the purpose of population health screening. Participant phenotype was not available at the time of variant classification. Additional details can be found in publication PMID: 35346344, PMCID: PMC8962531

Color Diagnostics, LLC DBA Color Health
Classification: Uncertain significance for Cardiomyopathy. Last evaluated: 2023-11-27. Review status: criteria provided, single submitter. Criteria: ACMG Guidelines, 2015. Collection method: clinical testing. Allele origin: germline.
Comment: This missense variant replaces arginine with glutamine at codon 23 of the MYH7 protein. Computational prediction tool indicates that this variant may have an uncertain impact on protein structure and function. To our knowledge, functional studies have not been reported for this variant. This variant has not been reported in individuals affected with MYH7-related disorders in the literature. This variant has been identified in 1/31396 chromosomes in the general population by the Genome Aggregation Database (gnomAD). The available evidence is insufficient to determine the role of this variant in disease conclusively. Therefore, this variant is classified as a Variant of Uncertain Significance.

Fulgent Genetics
Classification: Uncertain significance for MYH7-related skeletal myopathy; Myosin storage myopathy; Hypertrophic cardiomyopathy 1; Myopathy, myosin storage, autosomal recessive; Congenital myopathy 4A, autosomal dominant; Dilated cardiomyopathy 1S. Last evaluated: 2021-09-17. Review status: criteria provided, single submitter. Criteria: ACMG Guidelines, 2015. Collection method: clinical testing. Allele origin: unknown.